The following is an entry in ClinVar:

ClinVar aggregate classification (germline): Uncertain significance. Review status: criteria provided, multiple submitters, no conflicts (2 of 4 stars). 2 submissions from 2 submitters: Uncertain significance (2). Last evaluated 2023-12-08.

Conditions:
Hereditary cancer-predisposing syndrome. Also called: Tumor predisposition; Hereditary Cancer Syndrome; Neoplastic Syndromes, Hereditary; Hereditary neoplastic syndrome. Identifiers: Orphanet 140162, MedGen C0027672, MeSH D009386, MONDO:0015356.
Hyperparathyroidism 1 (HRPT1). Also called: HYPERPARATHYROIDISM, FAMILIAL ISOLATED PRIMARY. Identifiers: Orphanet 99879, MedGen C1840402, MONDO:0007767, OMIM 145000.

Submissions (2):

Baylor Genetics
Classification: Uncertain significance for Hyperparathyroidism 1. Last evaluated: 2023-12-08. Review status: criteria provided, single submitter. Criteria: ACMG Guidelines, 2015. Collection method: clinical testing. Allele origin: unknown.

Ambry Genetics
Classification: Uncertain significance for Hereditary cancer-predisposing syndrome. Last evaluated: 2019-09-29. Review status: criteria provided, single submitter. Criteria: Ambry Variant Classification Scheme 2023. Collection method: clinical testing. Allele origin: germline.
Comment: The p.K283E variant (also known as c.847A>G), located in coding exon 9 of the CDC73 gene, results from an A to G substitution at nucleotide position 847. The lysine at codon 283 is replaced by glutamic acid, an amino acid with similar properties. This amino acid position is highly conserved in available vertebrate species. In addition, the in silico prediction for this alteration is inconclusive. Since supporting evidence is limited at this time, the clinical significance of this alteration remains unclear.

NM_024529.5(CDC73):c.847A>G (p.Lys283Glu)

Gene: CDC73 (cell division cycle 73; plus strand). Cytogenetic location: 1q31.2.
Variant type: single nucleotide variant.
Coding change: c.847A>G on transcript NM_024529.5 (MANE Select); coding-DNA position 847, A replaced by G.
Protein change: p.Lys283Glu; replaces lysine 283 with glutamic acid.
Molecular consequence: missense variant.
Genome position (GRCh38, 1-based): chr1:193,150,322, A>G. VCF-style: chr1-193150322-A-G. GRCh37 (hg19) VCF-style: chr1-193119452-A-G.
Other names: short protein forms K283E.
Identifiers: ClinVar variation 822485 (VCV000822485.5), dbSNP rs1572160304, ClinGen allele CA343964938.